The following is an entry in ClinVar:

NM_000081.4(LYST):c.5461-13_5461-12dup

Gene: LYST (lysosomal trafficking regulator; minus strand). Cytogenetic location: 1q42.3.
Variant type: Duplication.
Coding change: c.5461-13_5461-12dup on transcript NM_000081.4 (MANE Select); 13 bases into the intron before coding-DNA position 5461 through 12 bases into the intron before coding-DNA position 5461, 2 bases duplicated (TT; older notation c.5461-13_5461-12dupTT).
Molecular consequence: intron variant.
Genome position (GRCh38, 1-based): chr1:235,775,089-235,775,090, AA duplicated on the plus strand (TT on the coding strand, the reverse complement: LYST is on the minus strand); duplicating any 2 consecutive bases within chr1:235,775,089-235,775,099 gives the same sequence; the c. name uses the placement nearest the transcript's 3' end. VCF-style (leftmost placement, unchanged base first): chr1-235775088-T-TAA. GRCh37 (hg19) VCF-style: chr1-235938388-T-TAA.
Other names: c.5461-13_5461-12dup (NM_001301365.1).
Identifiers: ClinVar variation 1167294 (VCV001167294.14), dbSNP rs557545474, ClinGen allele CA1466615.

ClinVar aggregate classification (germline): Benign/Likely benign. Review status: criteria provided, multiple submitters, no conflicts (2 of 4 stars). 5 submissions from 5 submitters: Benign (1); Likely benign (2). 2 of the submissions do not count toward it. Last evaluated 2026-01-31.

Conditions:
Chédiak-Higashi syndrome (CHS). Also called: Chediak-Higashi Syndrome. Identifiers: Orphanet 167, MedGen C0007965, MONDO:0008963, OMIM 214500.

Submissions (5):

Labcorp Genetics (formerly Invitae), Labcorp
Classification: Benign for Chédiak-Higashi syndrome. Last evaluated: 2026-01-31. Review status: criteria provided, single submitter. Criteria: Invitae Variant Classification Sherloc (09022015). Collection method: clinical testing. Allele origin: germline.

Blueprint Genetics
Classification: Likely benign. Last evaluated: 2024-10-09. Review status: criteria provided, single submitter. Criteria: ACMG Guidelines, 2015. Collection method: clinical testing. Allele origin: germline.

GeneDx
Classification: Likely benign. Last evaluated: 2020-04-17. Review status: criteria provided, single submitter. Criteria: GeneDx Variant Classification Process June 2021. Collection method: clinical testing. Allele origin: germline. Affected: yes.
Comment: See Variant Classification Assertion Criteria.

Clinical Genetics, Academic Medical Center
Classification: Benign. Review status: no assertion criteria provided. Collection method: clinical testing. Allele origin: germline. Affected: yes. Study: VKGL Data-share Consensus. Not counted in ClinVar's aggregate classification.

Laboratory of Diagnostic Genome Analysis, Leiden University Medical Center (LUMC)
Classification: Likely benign. Review status: no assertion criteria provided. Collection method: clinical testing. Allele origin: germline. Affected: yes. Study: VKGL Data-share Consensus. Not counted in ClinVar's aggregate classification.